The following is an entry in ClinVar:

NM_021939.4(FKBP10):c.1399+1G>A

Gene: FKBP10 (FKBP prolyl isomerase 10; plus strand). Cytogenetic location: 17q21.2.
Variant type: single nucleotide variant.
Coding change: c.1399+1G>A on transcript NM_021939.4 (MANE Select); the canonical splice donor site of the intron after coding-DNA position 1399, G replaced by A.
Molecular consequence: splice donor variant.
Genome position (GRCh38, 1-based): chr17:41,821,090, G>A. VCF-style: chr17-41821090-G-A. GRCh37 (hg19) VCF-style: chr17-39977342-G-A.
Identifiers: ClinVar variation 2736587 (VCV002736587.3), dbSNP rs1555616989, ClinGen allele CA399518625.

ClinVar aggregate classification (germline): Pathogenic (1 of 4 stars; one submission).

Allele frequency attached by ClinVar (database versions not stated): gnomAD exomes 0.00001.

Submission:

Labcorp Genetics (formerly Invitae), Labcorp
Classification: Pathogenic. Last evaluated: 2023-08-30. Review status: criteria provided, single submitter. Criteria: Invitae Variant Classification Sherloc (09022015). Collection method: clinical testing. Allele origin: germline.
Comment: For these reasons, this variant has been classified as Pathogenic. Studies have shown that disruption of this splice site results in skipping of exon 8 and activation of a cryptic splice donor site and introduces a premature termination codon (PMID: 22061863). The resulting mRNA is expected to undergo nonsense-mediated decay. Disruption of this splice site has been observed in individual(s) with osteogenesis imperfecta (PMID: 22061863). This variant is present in population databases (no rsID available, gnomAD no frequency). This sequence change affects a donor splice site in intron 8 of the FKBP10 gene. RNA analysis indicates that disruption of this splice site induces altered splicing and may result in an absent or disrupted protein product.

Literature cited by the submitters: PubMed 22061863.